The following is an entry in ClinVar:

ClinVar aggregate classification (germline): Uncertain significance (1 of 4 stars; one submission).

Submission:

GeneDx
Classification: Uncertain significance. Last evaluated: 2023-02-14. Review status: criteria provided, single submitter. Criteria: GeneDx Variant Classification Process June 2021. Collection method: clinical testing. Allele origin: germline. Affected: yes.
Comment: Not observed at significant frequency in large population cohorts (gnomAD); In silico analysis supports that this missense variant has a deleterious effect on protein structure/function; Has not been previously published as pathogenic or benign to our knowledge

NM_006517.5(SLC16A2):c.1396G>A (p.Ala466Thr)

Gene: SLC16A2 (solute carrier family 16 member 2; plus strand). Cytogenetic location: Xq13.2.
Variant type: single nucleotide variant.
Coding change: c.1396G>A on transcript NM_006517.5 (MANE Select); coding-DNA position 1396, G replaced by A.
Protein change: p.Ala466Thr; replaces alanine 466 with threonine.
Molecular consequence: missense variant.
Genome position (GRCh38, 1-based): chrX:74,529,438, G>A. VCF-style: chrX-74529438-G-A. GRCh37 (hg19) VCF-style: chrX-73749273-G-A.
Other names: short protein forms A466T.
Identifiers: ClinVar variation 2575880 (VCV002575880.1), dbSNP rs2519809226, ClinGen allele CA413658652.
Genomic context (GRCh38, chrX:74,529,438, plus strand): 5'-CAGGCCATTGGCTACCTCCTGGGCATGATGGCCCTGCCAATGATTGCTGGGCCCCCCATT[G>A]CAGGTGAGGCTGATATTCCAGGGAGGGCATGAATCAGGGAGTCCTTTTTTCCCTGGGTAC-3'
Protein context (NP_006508.2, residues 456-476): ALPMIAGPPI[Ala466Thr]GLLRNCFGDY